The following is an entry in ClinVar:

ClinVar aggregate classification (germline): Pathogenic. Review status: reviewed by expert panel (3 of 4 stars). 6 submissions from 6 submitters: Pathogenic (1). 5 of the submissions do not count toward it. Last evaluated 2016-09-08.

Conditions:
Breast-ovarian cancer, familial, susceptibility to, 1 (BROVCA1). Also called: BRCA1 Hereditary Breast and Ovarian Cancer; OVARIAN CANCER, SUSCEPTIBILITY TO. Identifiers: Orphanet 145, MedGen C2676676, MONDO:0011450, OMIM 604370. Disease mechanism: loss of function.
Fanconi anemia, complementation group S (FANCS). Identifiers: MedGen C4554406, MONDO:0054748, OMIM 617883.
Pancreatic cancer, susceptibility to, 4. Identifiers: Orphanet 1333, MedGen C3280442, MONDO:0013685, OMIM 614320.
Hereditary cancer-predisposing syndrome. Also called: Hereditary Cancer Syndrome; Hereditary neoplastic syndrome; Neoplastic Syndromes, Hereditary; Tumor predisposition. Identifiers: Orphanet 140162, MedGen C0027672, MeSH D009386, MONDO:0015356.
Hereditary breast ovarian cancer syndrome. Also called: BRCA1- and BRCA2-Associated Hereditary Breast and Ovarian Cancer; Hereditary breast and ovarian cancer syndrome; Hereditary breast and ovarian cancer syndrome (HBOC); Breast and ovarian cancer; Hereditary breast and/or ovarian cancer syndrome; Hereditary breast and ovarian cancer. Identifiers: Orphanet 145, MedGen C0677776, MeSH D061325, MONDO:0003582. Disease mechanism: loss of function.

Submissions (6):

Evidence-based Network for the Interpretation of Germline Mutant Alleles (ENIGMA)
Classification: Pathogenic for Breast-ovarian cancer, familial, susceptibility to, 1. Last evaluated: 2016-09-08. Review status: reviewed by expert panel. Criteria: ENIGMA BRCA1/2 Classification Criteria (2015). Collection method: curation. Allele origin: germline.
Comment: Variant allele predicted to encode a truncated non-functional protein.

Ambry Genetics
Classification: Pathogenic for Hereditary cancer-predisposing syndrome. Last evaluated: 2024-05-15. Review status: criteria provided, single submitter. Criteria: Ambry Variant Classification Scheme 2023. Collection method: clinical testing. Allele origin: germline. Not counted in ClinVar's aggregate classification.
Comment: The p.E1540* pathogenic mutation (also known as c.4618G>T), located in coding exon 13 of the BRCA1 gene, results from a G to T substitution at nucleotide position 4618. This changes the amino acid from a glutamic acid to a stop codon within coding exon 13. This alteration is expected to result in loss of function by premature protein truncation or nonsense-mediated mRNA decay. As such, this alteration is interpreted as a disease-causing mutation.

Labcorp Genetics (formerly Invitae), Labcorp
Classification: Pathogenic for Hereditary breast ovarian cancer syndrome. Last evaluated: 2024-04-22. Review status: criteria provided, single submitter. Criteria: Invitae Variant Classification Sherloc (09022015). Collection method: clinical testing. Allele origin: germline. Not counted in ClinVar's aggregate classification.
Comment: This sequence change creates a premature translational stop signal (p.Glu1540*) in the BRCA1 gene. It is expected to result in an absent or disrupted protein product. Loss-of-function variants in BRCA1 are known to be pathogenic (PMID: 20104584). This variant is not present in population databases (gnomAD no frequency). This premature translational stop signal has been observed in individual(s) with personal and family history of breast and/or ovarian cancer (PMID: 29470806). ClinVar contains an entry for this variant (Variation ID: 55240). Algorithms developed to predict the effect of sequence changes on RNA splicing suggest that this variant may disrupt the consensus splice site. For these reasons, this variant has been classified as Pathogenic.

Fulgent Genetics
Classification: Pathogenic for Breast-ovarian cancer, familial, susceptibility to, 1; Pancreatic cancer, susceptibility to, 4; Fanconi anemia, complementation group S. Last evaluated: 2024-02-29. Review status: criteria provided, single submitter. Criteria: ACMG Guidelines, 2015. Collection method: clinical testing. Allele origin: germline. Not counted in ClinVar's aggregate classification.

Sharing Clinical Reports Project (SCRP)
Classification: Pathogenic for Breast-ovarian cancer, familial 1. Last evaluated: 2007-10-09. Review status: no assertion criteria provided. Collection method: clinical testing. Allele origin: germline. Not counted in ClinVar's aggregate classification.

Breast Cancer Information Core (BIC) (BRCA1)
Classification: Pathogenic for Breast-ovarian cancer, familial 1. Last evaluated: 2002-06-20. Review status: no assertion criteria provided. Collection method: clinical testing. Allele origin: germline. Affected: yes. Observed: 1 variant allele. Not counted in ClinVar's aggregate classification.

Literature cited by the submitters: PubMed 20104584 (cited by Labcorp Genetics (formerly Invitae), Labcorp); PubMed 29470806 (cited by Labcorp Genetics (formerly Invitae), Labcorp).

NM_007294.4(BRCA1):c.4618G>T (p.Glu1540Ter)

Gene: BRCA1 (BRCA1 DNA repair associated; minus strand). Cytogenetic location: 17q21.31.
Variant type: single nucleotide variant.
Coding change: c.4618G>T on transcript NM_007294.4 (MANE Select); coding-DNA position 4618, G replaced by T.
Protein change: p.Glu1540Ter; replaces glutamic acid 1540 with a stop codon.
Molecular consequence: nonsense. On other transcripts: non-coding transcript variant (1).
Genome position (GRCh38, 1-based): chr17:43,074,388, C>A on the plus strand (G>T on the coding strand, the complement: BRCA1 is on the minus strand). VCF-style: chr17-43074388-C-A. GRCh37 (hg19) VCF-style: chr17-41226405-C-A.
Other names: c.1192G>T, p.Glu398Ter (NM_001408418.1, NM_001408419.1, NM_001408420.1); c.1189G>T, p.Glu397Ter (NM_001408421.1, NM_001408422.1, NM_001408423.1 and 1 more transcripts); c.1186G>T, p.Glu396Ter (NM_001408425.1, NM_001408426.1, NM_001408427.1 and 4 more transcripts); c.4612G>T, p.Glu1538Ter (NM_001407636.1, NM_001407637.1, NM_001407638.1 and 14 more transcripts); c.4609G>T, p.Glu1537Ter (NM_001407644.1, NM_001407645.1); c.4606G>T, p.Glu1536Ter (NM_001407646.1); c.4537G>T, p.Glu1513Ter (NM_001407658.1, NM_001407656.1, NM_001407657.1); c.4534G>T, p.Glu1512Ter (NM_001407659.1, NM_001407660.1, NM_001407661.1 and 2 more transcripts); and 68 more; short protein forms E1540*, E1493*, E436*, E1561*, E1428*, E1452*, E1471*, E1492*.
Identifiers: ClinVar variation 55240 (VCV000055240.15), dbSNP rs80357277, ClinGen allele CA002930.